The following is an entry in ClinVar:

NM_006648.4(WNK2):c.6416C>A (p.Ala2139Asp)

Gene: WNK2 (WNK lysine deficient protein kinase 2; plus strand). Cytogenetic location: 9q22.31.
Variant type: single nucleotide variant.
Coding change: c.6416C>A on transcript NM_006648.4 (MANE Select); coding-DNA position 6416, C replaced by A.
Protein change: p.Ala2139Asp; replaces alanine 2139 with aspartic acid.
Molecular consequence: missense variant.
Genome position (GRCh38, 1-based): chr9:93,308,484, C>A. VCF-style: chr9-93308484-C-A. GRCh37 (hg19) VCF-style: chr9-96070766-C-A.
Other names: c.6527C>A, p.Ala2176Asp (NM_001282394.3); short protein forms A2139D, A2176D.
Identifiers: ClinVar variation 4866516 (VCV004866516.1).
Genomic context (GRCh38, chr9:93,308,484, plus strand): 5'-GTACCTTCACGGACGACCTGCACAAGCTGGTGGACGAGTGGACGAGCAAGACGGTGGGGG[C>A]CGCGCAGCTGAAGCCCACGCTCAACCAGCTGAAGCAGACCCAGAAGCTGCAAGACATGGA-3'
Protein context (NP_006639.3, residues 2129-2149): VDEWTSKTVG[Ala2139Asp]AQLKPTLNQL

ClinVar aggregate classification (germline): Uncertain significance (1 of 4 stars; one submission).

Submission:

Ambry Genetics
Classification: Uncertain significance. Last evaluated: 2026-03-17. Review status: criteria provided, single submitter. Criteria: Ambry Variant Classification Scheme 2023. Collection method: clinical testing. Allele origin: germline.
Comment: The p.A2139D variant (also known as c.6416C>A), located in coding exon 27 of the WNK2 gene, results from a C to A substitution at nucleotide position 6416. The alanine at codon 2139 is replaced by aspartic acid, an amino acid with dissimilar properties. This amino acid position is conserved. In addition, this alteration is predicted to be tolerated by in silico analysis. Based on the available evidence, the clinical significance of this variant remains unclear.